The following is an entry in ClinVar:

ClinVar aggregate classification (germline): Uncertain significance (1 of 4 stars; one submission).

Conditions:
Sitosterolemia (STSL). Also called: PHYTOSTEROLEMIA. Identifiers: Orphanet 2882, MedGen C0342907, MONDO:0008863.

Allele frequency attached by ClinVar (database versions not stated): gnomAD exomes below 0.00001; TOPMed below 0.00001.
gnomAD v4.1: 3 of 1,613,956 alleles (0.00019%); highest among the groups gnomAD compares: Admixed American, 0.005%; no homozygotes.

Submission:

Labcorp Genetics (formerly Invitae), Labcorp
Classification: Uncertain significance for Sitosterolemia. Last evaluated: 2021-10-18. Review status: criteria provided, single submitter. Criteria: Invitae Variant Classification Sherloc (09022015). Collection method: clinical testing. Allele origin: germline.
Comment: In summary, the available evidence is currently insufficient to determine the role of this variant in disease. Therefore, it has been classified as a Variant of Uncertain Significance. Variants that disrupt the consensus splice site are a relatively common cause of aberrant splicing (PMID: 17576681, 9536098). Algorithms developed to predict the effect of sequence changes on RNA splicing suggest that this variant may disrupt the consensus splice site. This variant has not been reported in the literature in individuals affected with ABCG5-related conditions. This variant is not present in population databases (ExAC no frequency). This sequence change falls in intron 5 of the ABCG5 gene. It does not directly change the encoded amino acid sequence of the ABCG5 protein. It affects a nucleotide within the consensus splice site.

Literature cited by the submitters: PubMed 17576681; PubMed 9536098.

NM_022436.3(ABCG5):c.634+6T>G

Genes: ABCG5 (ATP binding cassette subfamily G member 5; minus strand), DYNC2LI1 (dynein cytoplasmic 2 light intermediate chain 1; plus strand). Cytogenetic location: 2p21.
Variant type: single nucleotide variant.
Coding change: c.634+6T>G on transcript NM_022436.3 (MANE Select); 6 bases into the intron after coding-DNA position 634, T replaced by G.
Molecular consequence: intron variant. On other transcripts: 3 prime UTR variant (2).
Genome position (GRCh38, 1-based): chr2:43,827,977, A>C on the plus strand (T>G on the coding strand, the complement: ABCG5 is on the minus strand). VCF-style: chr2-43827977-A-C. GRCh37 (hg19) VCF-style: chr2-44055116-A-C.
Other names: c.*607A>C (NM_001348912.2, NM_001348913.2).
Identifiers: ClinVar variation 1424720 (VCV001424720.6), dbSNP rs1397305308, ClinGen allele CA532273884.